The following is an entry in ClinVar:

NM_001267550.2(TTN):c.52975C>T (p.Gln17659Ter)

Genes: TTN-AS1 (TTN antisense RNA 1; plus strand), TTN (titin; minus strand), LOC126806425 (BRD4-independent group 4 enhancer GRCh37_chr2:179471933-179473132; plus strand). Cytogenetic location: 2q31.2.
Variant type: single nucleotide variant.
Coding change: c.52975C>T on transcript NM_001267550.2 (MANE Select); coding-DNA position 52975, C replaced by T.
Protein change: p.Gln17659Ter; replaces glutamine 17659 with a stop codon.
Molecular consequence: nonsense.
Genome position (GRCh38, 1-based): chr2:178,607,812, G>A on the plus strand (C>T on the coding strand, the complement: TTN is on the minus strand). VCF-style: chr2-178607812-G-A. GRCh37 (hg19) VCF-style: chr2-179472539-G-A.
Other names: c.52975C>T (NM_001267550.1); c.48052C>T, p.Gln16018Ter (NM_001256850.1); c.25780C>T, p.Gln8594Ter (NM_003319.4); c.45271C>T, p.Gln15091Ter (NM_133378.4); c.26155C>T, p.Gln8719Ter (NM_133432.3); c.26356C>T, p.Gln8786Ter (NM_133437.4); short protein forms Q8594*, Q15091*, Q16018*, Q17659*, Q8719*, Q8786*.
Identifiers: ClinVar variation 1348562 (VCV001348562.11), dbSNP rs2154197188, ClinGen allele CA349569255.

ClinVar aggregate classification (germline): Likely pathogenic. Review status: criteria provided, multiple submitters, no conflicts (2 of 4 stars). 3 submissions from 3 submitters: Likely pathogenic (3). Last evaluated 2025-08-30.

Conditions:
Cardiovascular phenotype. Identifiers: MedGen CN230736.
Dilated cardiomyopathy 1G (CMD1G). Identifiers: Orphanet 154, MedGen C1858763, MONDO:0011400, OMIM 604145.
Autosomal recessive limb-girdle muscular dystrophy type 2J (LGMDR10). Also called: Limb-girdle muscular dystrophy, type 2J; MUSCULAR DYSTROPHY, LIMB-GIRDLE, AUTOSOMAL RECESSIVE 10. Identifiers: Orphanet 140922, MedGen C1837342, MONDO:0012127, OMIM 608807.

Submissions (3):

Labcorp Genetics (formerly Invitae), Labcorp
Classification: Likely pathogenic for Dilated cardiomyopathy 1G; Autosomal recessive limb-girdle muscular dystrophy type 2J. Last evaluated: 2025-08-30. Review status: criteria provided, single submitter. Criteria: Invitae Variant Classification Sherloc (09022015). Collection method: clinical testing. Allele origin: germline.
Comment: This sequence change creates a premature translational stop signal (p.Gln17659*) in the TTN gene. While this is not anticipated to result in nonsense mediated decay, it is expected to create a truncated TTN protein. This variant is not present in population databases (gnomAD no frequency). This premature translational stop signal has been observed in individual(s) with autosomal dominant dilated cardiomyopathy (PMID: 33106378). ClinVar contains an entry for this variant (Variation ID: 1348562). Algorithms developed to predict the effect of sequence changes on RNA splicing suggest that this variant may create or strengthen a splice site. This variant is located in the A band of TTN (PMID: 25589632). Truncating variants in this region are significantly overrepresented in patients affected with dilated cardiomyopathy (PMID: 25589632). Truncating variants in this region have also been reported in individuals affected with autosomal recessive centronuclear myopathy (PMID: 23975875). In summary, the currently available evidence indicates that the variant is pathogenic, but additional data are needed to prove that conclusively. Therefore, this variant has been classified as Likely Pathogenic.

GeneDx
Classification: Likely pathogenic. Last evaluated: 2025-08-05. Review status: criteria provided, single submitter. Criteria: GeneDx Variant Classification Process June 2021. Collection method: clinical testing. Allele origin: germline. Affected: yes.
Comment: Not observed at significant frequency in large population cohorts (gnomAD); Nonsense variant predicted to result in protein truncation or nonsense mediated decay in a gene for which loss of function is a known mechanism of disease; This variant is associated with the following publications: (PMID: 22335739, 32778822, 33106378)

Ambry Genetics
Classification: Likely pathogenic for Cardiovascular phenotype. Last evaluated: 2023-03-14. Review status: criteria provided, single submitter. Criteria: Ambry Variant Classification Scheme 2023. Collection method: clinical testing. Allele origin: germline.
Comment: The p.Q8594* variant (also known as c.25780C>T), located in coding exon 103 of the TTN gene, results from a C to T substitution at nucleotide position 25780. This changes the amino acid from a glutamine to a stop codon within coding exon 103. This exon is located in the A-band region of the N2-B isoform of the titin protein and is constitutively expressed in TTN transcripts (percent spliced in or PSI 100%). This alteration has been reported in a dilated cardiomyopathy (DCM) cohort (Vissing CR et al. J Med Genet, 2021 Dec;58:832-841). This variant is considered to be rare based on population cohorts in the Genome Aggregation Database (gnomAD). In addition to the clinical data presented in the literature, this alteration is expected to result in loss of function by premature protein truncation or nonsense-mediated mRNA decay. While truncating variants in TTN are present in 1-3% of the general population, truncating variants in the A-band are the most common cause of dilated cardiomyopathy (DCM) (Herman DS et al. N. Engl. J. Med., 2012 Feb;366:619-28; Roberts AM et al. Sci Transl Med, 2015 Jan;7:270ra6). TTN truncating variants encoded in constitutive exons (PSI >90%) have been found to be significantly associated with DCM regardless of their position in titin (Schafer S et al. Nat. Genet., 2017 01;49:46-53). Based on the majority of available evidence to date, this variant is likely to be pathogenic.

Literature cited by the submitters: PubMed 33106378 (cited by Labcorp Genetics (formerly Invitae), Labcorp and Ambry Genetics); PubMed 25589632 (cited by Labcorp Genetics (formerly Invitae), Labcorp); PubMed 23975875 (cited by Labcorp Genetics (formerly Invitae), Labcorp).